The following is an entry in ClinVar:

ClinVar aggregate classification (germline): Pathogenic (1 of 4 stars; one submission).

Conditions:
Mitochondrial complex II deficiency, nuclear type 1. Also called: SUCCINATE CoQ REDUCTASE DEFICIENCY. Identifiers: Orphanet 3208, MedGen C5700310, MONDO:0100294, OMIM 252011.
Pheochromocytoma/paraganglioma syndrome 5. Also called: Paragangliomas 5; SDHA-Related Hereditary Paraganglioma-Pheochromocytoma Syndrome. Identifiers: Orphanet 29072, MedGen C3279992, MONDO:0013602, OMIM 614165.

Submission:

Labcorp Genetics (formerly Invitae), Labcorp
Classification: Pathogenic for Pheochromocytoma/paraganglioma syndrome 5; Mitochondrial complex II deficiency, nuclear type 1. Last evaluated: 2024-05-31. Review status: criteria provided, single submitter. Criteria: Invitae Variant Classification Sherloc (09022015). Collection method: clinical testing. Allele origin: germline.
Comment: This sequence change creates a premature translational stop signal (p.Arg585Glufs*17) in the SDHA gene. It is expected to result in an absent or disrupted protein product. Loss-of-function variants in SDHA are known to be pathogenic (PMID: 22974104, 24781757). This variant is not present in population databases (gnomAD no frequency). This variant has not been reported in the literature in individuals affected with SDHA-related conditions. For these reasons, this variant has been classified as Pathogenic.

Literature cited by the submitters: PubMed 22974104; PubMed 24781757.

NM_004168.4(SDHA):c.1752_1753del (p.Arg585fs)

Gene: SDHA (succinate dehydrogenase complex flavoprotein subunit A; plus strand). Cytogenetic location: 5p15.33.
Variant type: Deletion.
Coding change: c.1752_1753del on transcript NM_004168.4 (MANE Select); coding-DNA positions 1752 to 1753, 2 bases deleted (AC; older notation c.1752_1753delAC).
Protein change: p.Arg585fs; shifts the reading frame from arginine 585.
Molecular consequence: frameshift variant. On other transcripts: intron variant (1).
Genome position (GRCh38, 1-based): chr5:251,426-251,427, AC deleted; deleting any 2 consecutive bases within chr5:251,425-251,427 gives the same sequence; the c. name uses the placement nearest the transcript's 3' end. VCF-style (leftmost placement, unchanged base first): chr5-251424-GCA-G. GRCh37 (hg19) VCF-style: chr5-251539-GCA-G.
Other names: c.1608_1609del, p.Arg537fs (NM_001294332.2); c.1552-2967_1552-2966del (NM_001330758.2); short protein forms R537fs, R585fs.
Identifiers: ClinVar variation 3756626 (VCV003756626.2).